The following is an entry in ClinVar:

NM_153717.3(EVC):c.617+1G>A

Gene: EVC (EvC ciliary complex subunit 1; plus strand). Cytogenetic location: 4p16.2.
Variant type: single nucleotide variant.
Coding change: c.617+1G>A on transcript NM_153717.3 (MANE Select); the canonical splice donor site of the intron after coding-DNA position 617, G replaced by A.
Molecular consequence: splice donor variant.
Genome position (GRCh38, 1-based): chr4:5,731,658, G>A. VCF-style: chr4-5731658-G-A. GRCh37 (hg19) VCF-style: chr4-5733385-G-A.
Other names: c.617+1G>A (NM_001306090.2, NM_001306092.2).
Identifiers: ClinVar variation 845441 (VCV000845441.11), dbSNP rs1726841476, ClinGen allele CA356143499.

ClinVar aggregate classification (germline): Likely pathogenic. Review status: criteria provided, multiple submitters, no conflicts (2 of 4 stars). 2 submissions from 2 submitters: Likely pathogenic (2). Last evaluated 2025-08-01.

Conditions:
Ellis-van Creveld syndrome (EVC). Also called: EVC-Related Ellis-van Creveld Syndrome; EVC2-Related Ellis-van Creveld Syndrome; MESOECTODERMAL DYSPLASIA; Chondroectodermal dysplasia. Identifiers: Orphanet 289, MedGen C0013903, MONDO:0009162, OMIM 225500.
Curry-Hall syndrome (WAD). Also called: WEYERS ACRODENTAL DYSOSTOSIS. Identifiers: Orphanet 952, MedGen C0457013, MONDO:0008673, OMIM 193530.

Submissions (2):

Natera, Inc.
Classification: Likely pathogenic for Ellis-van Creveld syndrome. Last evaluated: 2025-08-01. Review status: criteria provided, single submitter. Criteria: Natera Variant Classification Schema (03/2026). Collection method: clinical testing. Allele origin: germline.
Comment: The c.617+1G>A variant in EVC is a canonical splice donor site variant predicted to affect pre-mRNA splicing, which may result in an abnormal transcript and altered protein product. This variant is expected to result in nonsense mediated decay, truncation, or a dysfunctional protein product. This variant is rare in the general population with a frequency below the threshold expected for the associated phenotype(s). Given the available evidence, this variant is classified as Likely Pathogenic.

Labcorp Genetics (formerly Invitae), Labcorp
Classification: Likely pathogenic for Curry-Hall syndrome; Ellis-van Creveld syndrome. Last evaluated: 2022-04-07. Review status: criteria provided, single submitter. Criteria: Invitae Variant Classification Sherloc (09022015). Collection method: clinical testing. Allele origin: germline.
Comment: In summary, the currently available evidence indicates that the variant is pathogenic, but additional data are needed to prove that conclusively. Therefore, this variant has been classified as Likely Pathogenic. Algorithms developed to predict the effect of sequence changes on RNA splicing suggest that this variant may disrupt the consensus splice site. ClinVar contains an entry for this variant (Variation ID: 845441). This variant has not been reported in the literature in individuals affected with EVC-related conditions. This variant is not present in population databases (gnomAD no frequency). This sequence change affects a donor splice site in intron 4 of the EVC gene. It is expected to disrupt RNA splicing. Variants that disrupt the donor or acceptor splice site typically lead to a loss of protein function (PMID: 16199547), and loss-of-function variants in EVC are known to be pathogenic (PMID: 23220543).

Literature cited by the submitters: PubMed 16199547 (cited by Labcorp Genetics (formerly Invitae), Labcorp); PubMed 23220543 (cited by Labcorp Genetics (formerly Invitae), Labcorp).